The following is an entry in ClinVar:

ClinVar aggregate classification (germline): Likely pathogenic. Review status: criteria provided, single submitter (1 of 4 stars). 2 submissions from 2 submitters: Likely pathogenic (1). 1 of the submissions does not count toward it. Last evaluated 2023-10-10.

Conditions:
VPS13B-related disorder. Also called: VPS13B-related condition.
Cohen syndrome (COH1). Also called: PEPPER SYNDROME; Cutis verticis gyrata, retinitis pigmentosa, and sensorineural deafness. Identifiers: Orphanet 193, MedGen C0265223, MONDO:0008999, OMIM 216550.

Submissions (2):

Blueprint Genetics
Classification: Likely pathogenic for VPS13B-related disorders. Last evaluated: 2023-10-10. Review status: criteria provided, single submitter. Criteria: ACMG Guidelines, 2015. Collection method: clinical testing. Allele origin: germline. Affected: yes. Observed: 5 variant alleles.

Juha Muilu Group; Institute for Molecular Medicine Finland (FIMM)
Classification: Likely pathogenic for Cohen syndrome. Review status: no assertion criteria provided. Collection method: not provided. Allele origin: unknown. Not counted in ClinVar's aggregate classification.
Comment: FinDis database variant: This variant was not found or characterized by our laboratory, data were collected from public sources: see reference
ClinVar note: Converted during submission from probable-pathogenic to Likely pathogenic.

NM_152564.5(VPS13B):c.10766_10769del (p.Leu3589fs)

Gene: VPS13B (vacuolar protein sorting 13 homolog B; plus strand). Cytogenetic location: 8q22.2.
Variant type: Microsatellite.
Coding change: c.10766_10769del on transcript NM_152564.5 (MANE Select); coding-DNA positions 10766 to 10769, 4 bases deleted (TCTC; older notation c.10766_10769delTCTC).
Protein change: p.Leu3589fs; shifts the reading frame from leucine 3589.
Molecular consequence: frameshift variant.
Genome position (GRCh38, 1-based): chr8:99,854,155-99,854,158, TCTC deleted; deleting any 4 consecutive bases within chr8:99,854,152-99,854,158 gives the same sequence; the c. name uses the placement nearest the transcript's 3' end. VCF-style (leftmost placement, unchanged base first): chr8-99854151-CCTCT-C. GRCh37 (hg19) VCF-style: chr8-100866379-CCTCT-C.
Other names: c.10841_10844del, p.Leu3614fs (NM_017890.5); c.10841_10844delTCTC (NM_017890.4); short protein forms L3614fs, L3589fs.
Identifiers: ClinVar variation 56630 (VCV000056630.3), dbSNP rs386834056, ClinGen allele CA263995.